The following is an entry in ClinVar:

ClinVar aggregate classification (germline): Uncertain significance (1 of 4 stars; one submission).

Submission:

Ambry Genetics
Classification: Uncertain significance. Last evaluated: 2024-04-08. Review status: criteria provided, single submitter. Criteria: Ambry Variant Classification Scheme 2023. Collection method: clinical testing. Allele origin: germline.
Comment: The p.E2114D variant (also known as c.6342G>C), located in coding exon 20 of the POLQ gene, results from a G to C substitution at nucleotide position 6342. The glutamic acid at codon 2114 is replaced by aspartic acid, an amino acid with highly similar properties. This amino acid position is conserved. In addition, the in silico prediction for this alteration is inconclusive. Based on the available evidence, the clinical significance of this variant remains unclear.

NM_199420.4(POLQ):c.6342G>C (p.Glu2114Asp)

Gene: POLQ (DNA polymerase theta; minus strand). Cytogenetic location: 3q13.33.
Variant type: single nucleotide variant.
Coding change: c.6342G>C on transcript NM_199420.4 (MANE Select); coding-DNA position 6342, G replaced by C.
Protein change: p.Glu2114Asp; replaces glutamic acid 2114 with aspartic acid.
Molecular consequence: missense variant.
Genome position (GRCh38, 1-based): chr3:121,476,603, C>G on the plus strand (G>C on the coding strand, the complement: POLQ is on the minus strand). VCF-style: chr3-121476603-C-G. GRCh37 (hg19) VCF-style: chr3-121195450-C-G.
Other names: short protein forms E2114D.
Identifiers: ClinVar variation 3308627 (VCV003308627.1).
Genomic context (GRCh38, chr3:121,476,603, plus strand): 5'-AGCGATGTCATCTGAACTGGTGAAAGAAAAACTGTGGCCAGCTAGTTGATAGGCCTGGGT[C>G]TCAATTGCATCCAGCTTGGCTTGCATTATATGTTTCTGACTTTCACATTCTGCAGTACTA-3'
Protein context (NP_955452.3, residues 2104-2124): HIMQAKLDAI[Glu2114Asp]TQAYQLAGHS